The following is an entry in ClinVar:

ClinVar aggregate classification (germline): Uncertain significance (1 of 4 stars; one submission).

gnomAD v4.1: 2 of 1,614,172 alleles (0.00012%); highest among the groups gnomAD compares: Non-Finnish European, 0.000085%; no homozygotes.

Submission:

GeneDx
Classification: Uncertain significance. Last evaluated: 2024-05-28. Review status: criteria provided, single submitter. Criteria: GeneDx Variant Classification Process June 2021. Collection method: clinical testing. Allele origin: germline. Affected: yes.
Comment: Not observed at significant frequency in large population cohorts (gnomAD); In silico analysis supports that this missense variant has a deleterious effect on protein structure/function; Has not been previously published as pathogenic or benign to our knowledge

NM_170606.3(KMT2C):c.6989C>T (p.Ser2330Leu)

Gene: KMT2C (lysine methyltransferase 2C; minus strand). Cytogenetic location: 7q36.1.
Variant type: single nucleotide variant.
Coding change: c.6989C>T on transcript NM_170606.3 (MANE Select); coding-DNA position 6989, C replaced by T.
Protein change: p.Ser2330Leu; replaces serine 2330 with leucine.
Molecular consequence: missense variant.
Genome position (GRCh38, 1-based): chr7:152,180,871, G>A on the plus strand (C>T on the coding strand, the complement: KMT2C is on the minus strand). VCF-style: chr7-152180871-G-A. GRCh37 (hg19) VCF-style: chr7-151877956-G-A.
Other names: short protein forms S2330L.
Identifiers: ClinVar variation 3383741 (VCV003383741.1).